The following is an entry in ClinVar:

ClinVar aggregate classification (germline): Uncertain significance. Review status: criteria provided, multiple submitters, no conflicts (2 of 4 stars). 3 submissions from 3 submitters: Uncertain significance (3). Last evaluated 2024-08-19.

Conditions:
Inborn genetic diseases. Identifiers: MedGen C0950123, MeSH D030342.
Autosomal recessive severe congenital neutropenia due to JAGN1 deficiency. Also called: Severe congenital neutropenia 6, autosomal recessive. Identifiers: Orphanet 423384, MedGen C4014954, MONDO:0014456, OMIM 616022.

Allele frequency attached by ClinVar (database versions not stated): ESP Exome Variant Server 0.00008; gnomAD exomes 0.00008 and 0.00015; gnomAD 0.00011; ExAC 0.00012; TOPMed 0.00014; 1000 Genomes Project 30x 0.00047; 1000 Genomes Project 0.00060.
gnomAD v4.1: 241 of 1,608,846 alleles (0.015%); highest among the groups gnomAD compares: Non-Finnish European, 0.019%; no homozygotes.

Submissions (3):

Ambry Genetics
Classification: Uncertain significance for Inborn genetic diseases. Last evaluated: 2024-08-19. Review status: criteria provided, single submitter. Criteria: Ambry Variant Classification Scheme 2023. Collection method: clinical testing. Allele origin: germline.

Blueprint Genetics
Classification: Uncertain significance. Last evaluated: 2024-06-06. Review status: criteria provided, single submitter. Criteria: ACMG Guidelines, 2015. Collection method: clinical testing. Allele origin: germline.

Labcorp Genetics (formerly Invitae), Labcorp
Classification: Uncertain significance for Autosomal recessive severe congenital neutropenia due to JAGN1 deficiency. Last evaluated: 2024-01-15. Review status: criteria provided, single submitter. Criteria: Invitae Variant Classification Sherloc (09022015). Collection method: clinical testing. Allele origin: germline.
Comment: This sequence change replaces arginine, which is basic and polar, with cysteine, which is neutral and slightly polar, at codon 22 of the JAGN1 protein (p.Arg22Cys). This variant is present in population databases (rs146967886, gnomAD 0.02%). This variant has not been reported in the literature in individuals affected with JAGN1-related conditions. ClinVar contains an entry for this variant (Variation ID: 841147). An algorithm developed to predict the effect of missense changes on protein structure and function (PolyPhen-2) suggests that this variant is likely to be disruptive. In summary, the available evidence is currently insufficient to determine the role of this variant in disease. Therefore, it has been classified as a Variant of Uncertain Significance.

NM_032492.4(JAGN1):c.64C>T (p.Arg22Cys)

Gene: JAGN1 (jagunal vesicle mediated transporter 1; plus strand). Cytogenetic location: 3p25.3.
Variant type: single nucleotide variant.
Coding change: c.64C>T on transcript NM_032492.4 (MANE Select); coding-DNA position 64, C replaced by T.
Protein change: p.Arg22Cys; replaces arginine 22 with cysteine.
Molecular consequence: missense variant. On other transcripts: 5 prime UTR variant (1).
Genome position (GRCh38, 1-based): chr3:9,890,786, C>T. VCF-style: chr3-9890786-C-T. GRCh37 (hg19) VCF-style: chr3-9932470-C-T.
Other names: c.-205C>T (NM_001363890.1); short protein forms R22C.
Identifiers: ClinVar variation 841147 (VCV000841147.6), dbSNP rs146967886, ClinGen allele CA2245795.